The following is an entry in ClinVar:

NM_000625.4(NOS2):c.545C>T (p.Thr182Met)

Gene: NOS2 (nitric oxide synthase 2; minus strand). Cytogenetic location: 17q11.2.
Variant type: single nucleotide variant.
Coding change: c.545C>T on transcript NM_000625.4 (MANE Select); coding-DNA position 545, C replaced by T.
Protein change: p.Thr182Met; replaces threonine 182 with methionine.
Molecular consequence: missense variant.
Genome position (GRCh38, 1-based): chr17:27,783,029, G>A on the plus strand (C>T on the coding strand, the complement: NOS2 is on the minus strand). VCF-style: chr17-27783029-G-A. GRCh37 (hg19) VCF-style: chr17-26110055-G-A.
Other names: short protein forms T182M.
Identifiers: ClinVar variation 3054317 (VCV003054317.2), dbSNP rs149623743, ClinGen allele CA8455034.

ClinVar aggregate classification (germline): Likely benign (0 of 4 stars; one submission).

Conditions:
NOS2-related disorder. Also called: NOS2-related condition.

Allele frequency attached by ClinVar (database versions not stated): gnomAD exomes 0.00007; ExAC 0.00016; ESP Exome Variant Server 0.00023; 1000 Genomes Project 30x 0.00047; 1000 Genomes Project 0.00060; gnomAD 0.00060; TOPMed 0.00065.
gnomAD v4.1: 194 of 1,614,186 alleles (0.012%); highest among the groups gnomAD compares: African/African-American, 0.19%; no homozygotes.

Submission:

PreventionGenetics, part of Exact Sciences
Classification: Likely benign for NOS2-related condition. Last evaluated: 2022-11-02. Review status: no assertion criteria provided. Collection method: clinical testing. Allele origin: germline.
Comment: This variant is classified as likely benign based on ACMG/AMP sequence variant interpretation guidelines (Richards et al. 2015 PMID: 25741868, with internal and published modifications).